The following is an entry in ClinVar:

NM_001136193.2(FASTKD2):c.706C>T (p.Leu236Phe)

Gene: FASTKD2 (FAST kinase domains 2; plus strand). Cytogenetic location: 2q33.3.
Variant type: single nucleotide variant.
Coding change: c.706C>T on transcript NM_001136193.2 (MANE Select); coding-DNA position 706, C replaced by T.
Protein change: p.Leu236Phe; replaces leucine 236 with phenylalanine.
Molecular consequence: missense variant.
Genome position (GRCh38, 1-based): chr2:206,767,399, C>T. VCF-style: chr2-206767399-C-T. GRCh37 (hg19) VCF-style: chr2-207632123-C-T.
Other names: c.706C>T, p.Leu236Phe (NM_001136194.2, NM_014929.4); short protein forms L236F.
Identifiers: ClinVar variation 1924197 (VCV001924197.5), dbSNP rs754263941, ClinGen allele CA2074926.

ClinVar aggregate classification (germline): Uncertain significance (1 of 4 stars; one submission).

Allele frequency attached by ClinVar (database versions not stated): ExAC 0.00001; gnomAD 0.00002; gnomAD exomes 0.00002; TOPMed 0.00002.
gnomAD v4.1: 36 of 1,613,660 alleles (0.0022%); highest among the groups gnomAD compares: Admixed American, 0.0033%; no homozygotes.

Submission:

Labcorp Genetics (formerly Invitae), Labcorp
Classification: Uncertain significance. Last evaluated: 2022-04-09. Review status: criteria provided, single submitter. Criteria: Invitae Variant Classification Sherloc (09022015). Collection method: clinical testing. Allele origin: germline.
Comment: This sequence change replaces leucine, which is neutral and non-polar, with phenylalanine, which is neutral and non-polar, at codon 236 of the FASTKD2 protein (p.Leu236Phe). This variant is present in population databases (rs754263941, gnomAD 0.002%). This variant has not been reported in the literature in individuals affected with FASTKD2-related conditions. Algorithms developed to predict the effect of missense changes on protein structure and function output the following: SIFT: "Deleterious"; PolyPhen-2: "Benign"; Align-GVGD: "Class C0". The phenylalanine amino acid residue is found in multiple mammalian species, which suggests that this missense change does not adversely affect protein function. In summary, the available evidence is currently insufficient to determine the role of this variant in disease. Therefore, it has been classified as a Variant of Uncertain Significance.